The following is an entry in ClinVar:

ClinVar aggregate classification (germline): Uncertain significance. Review status: criteria provided, multiple submitters, no conflicts (2 of 4 stars). 2 submissions from 2 submitters: Uncertain significance (2). Last evaluated 2025-07-03.

Conditions:
Familial thoracic aortic aneurysm and aortic dissection (TAAD). Also called: Thoracic aortic aneurysms and dissections. Identifiers: Orphanet 91387, MedGen C4707243, MONDO:0019625.
Shprintzen-Goldberg syndrome (SGS). Also called: CRANIOSYNOSTOSIS WITH ARACHNODACTYLY AND ABDOMINAL HERNIAS; SHPRINTZEN-GOLDBERG CRANIOSYNOSTOSIS SYNDROME; Marfanoid disorder with craniosynostosis type 1; Marfanoid craniosynostosis syndrome; Shprintzen-Goldberg marfanoid syndrome. Identifiers: Orphanet 2462, MedGen C1321551, MONDO:0008426, OMIM 182212.

gnomAD v4.1: 3 of 1,567,262 alleles (0.00019%); highest among the groups gnomAD compares: Admixed American, 0.0019%; no homozygotes.

Submissions (2):

Labcorp Genetics (formerly Invitae), Labcorp
Classification: Uncertain significance for Shprintzen-Goldberg syndrome. Last evaluated: 2025-07-03. Review status: criteria provided, single submitter. Criteria: Invitae Variant Classification Sherloc (09022015). Collection method: clinical testing. Allele origin: germline.
Comment: This sequence change replaces leucine, which is neutral and non-polar, with valine, which is neutral and non-polar, at codon 581 of the SKI protein (p.Leu581Val). This variant is not present in population databases (gnomAD no frequency). This variant has not been reported in the literature in individuals affected with SKI-related conditions. ClinVar contains an entry for this variant (Variation ID: 1779203). Invitae Evidence Modeling of protein sequence and biophysical properties (such as structural, functional, and spatial information, amino acid conservation, physicochemical variation, residue mobility, and thermodynamic stability) indicates that this missense variant is not expected to disrupt SKI protein function with a negative predictive value of 95%. In summary, the available evidence is currently insufficient to determine the role of this variant in disease. Therefore, it has been classified as a Variant of Uncertain Significance.

Ambry Genetics
Classification: Uncertain significance for Familial thoracic aortic aneurysm and aortic dissection. Last evaluated: 2021-11-19. Review status: criteria provided, single submitter. Criteria: Ambry Variant Classification Scheme 2023. Collection method: clinical testing. Allele origin: germline.
Comment: The p.L581V variant (also known as c.1741C>G), located in coding exon 5 of the SKI gene, results from a C to G substitution at nucleotide position 1741. The leucine at codon 581 is replaced by valine, an amino acid with highly similar properties. This amino acid position is conserved. In addition, the in silico prediction for this alteration is inconclusive. Since supporting evidence is limited at this time, the clinical significance of this alteration remains unclear.

NM_003036.4(SKI):c.1741C>G (p.Leu581Val)

Gene: SKI (SKI proto-oncogene; plus strand). Cytogenetic location: 1p36.32.
Variant type: single nucleotide variant.
Coding change: c.1741C>G on transcript NM_003036.4 (MANE Select); coding-DNA position 1741, C replaced by G.
Protein change: p.Leu581Val; replaces leucine 581 with valine.
Molecular consequence: missense variant.
Genome position (GRCh38, 1-based): chr1:2,304,559, C>G. VCF-style: chr1-2304559-C-G. GRCh37 (hg19) VCF-style: chr1-2235998-C-G.
Other names: short protein forms L581V.
Identifiers: ClinVar variation 1779203 (VCV001779203.7), dbSNP rs750462317, ClinGen allele CA337957859.